The following is an entry in ClinVar:

ClinVar aggregate classification (germline): Uncertain significance (1 of 4 stars; one submission).

Submission:

Labcorp Genetics (formerly Invitae), Labcorp
Classification: Uncertain significance. Last evaluated: 2021-08-26. Review status: criteria provided, single submitter. Criteria: Invitae Variant Classification Sherloc (09022015). Collection method: clinical testing. Allele origin: germline.
Comment: In summary, the available evidence is currently insufficient to determine the role of this variant in disease. Therefore, it has been classified as a Variant of Uncertain Significance. Algorithms developed to predict the effect of missense changes on protein structure and function (SIFT, PolyPhen-2, Align-GVGD) all suggest that this variant is likely to be tolerated. This variant has not been reported in the literature in individuals affected with PRPF3-related conditions. This variant is not present in population databases (ExAC no frequency). This sequence change replaces proline with threonine at codon 313 of the PRPF3 protein (p.Pro313Thr). The proline residue is moderately conserved and there is a small physicochemical difference between proline and threonine.

NM_004698.4(PRPF3):c.937C>A (p.Pro313Thr)

Gene: PRPF3 (pre-mRNA processing factor 3; plus strand). Cytogenetic location: 1q21.2.
Variant type: single nucleotide variant.
Coding change: c.937C>A on transcript NM_004698.4 (MANE Select); coding-DNA position 937, C replaced by A.
Protein change: p.Pro313Thr; replaces proline 313 with threonine.
Molecular consequence: missense variant. On other transcripts: non-coding transcript variant (4).
Genome position (GRCh38, 1-based): chr1:150,335,143, C>A. VCF-style: chr1-150335143-C-A. GRCh37 (hg19) VCF-style: chr1-150307614-C-A.
Other names: c.532C>A, p.Pro178Thr (NM_001350529.1); short protein forms P178T, P313T.
Identifiers: ClinVar variation 1377820 (VCV001377820.6), dbSNP rs1489549828, ClinGen allele CA342294567.